The following is an entry in ClinVar:

NM_000283.4(PDE6B):c.170C>T (p.Thr57Met)

Gene: PDE6B (phosphodiesterase 6B; plus strand). Cytogenetic location: 4p16.3.
Variant type: single nucleotide variant.
Coding change: c.170C>T on transcript NM_000283.4 (MANE Select); coding-DNA position 170, C replaced by T.
Protein change: p.Thr57Met; replaces threonine 57 with methionine.
Molecular consequence: missense variant.
Genome position (GRCh38, 1-based): chr4:625,796, C>T. VCF-style: chr4-625796-C-T. GRCh37 (hg19) VCF-style: chr4-619585-C-T.
Other names: c.170C>T, p.Thr57Met (NM_001145291.2); short protein forms T57M.
Identifiers: ClinVar variation 349289 (VCV000349289.12), dbSNP rs149359860, ClinGen allele CA2793860.

ClinVar aggregate classification (germline): Conflicting classifications of pathogenicity. Review status: criteria provided, conflicting classifications (1 of 4 stars). 5 submissions from 4 submitters: Uncertain significance (4); Likely benign (1). Last evaluated 2026-06-20.

Conditions:
Retinitis pigmentosa (RP). Identifiers: Orphanet 791, MedGen C0035334, MeSH D012174, MONDO:0019200, OMIM 268000. Inheritance: Autosomal dominant, autosomal recessive and X linked inheritance.
PDE6B-related disorder. Also called: PDE6B-related disorders; PDE6B-related disease; PDE6B-related condition.
Congenital stationary night blindness autosomal dominant 2. Also called: NIGHT BLINDNESS, CONGENITAL STATIONARY, RAMBUSCH TYPE. Identifiers: Orphanet 215, MedGen C1876182, MONDO:0008099, OMIM 163500.

Allele frequency attached by ClinVar (database versions not stated): gnomAD exomes 0.00005 and 0.00016; ExAC 0.00006; gnomAD 0.00016 and 0.00014; TOPMed 0.00009; ESP Exome Variant Server 0.00015.
gnomAD v4.1: 259 of 1,613,216 alleles (0.016%); highest among the groups gnomAD compares: Non-Finnish European, 0.021%; no homozygotes.

Submissions (5):

PreventionGenetics, part of Exact Sciences
Classification: Uncertain significance for PDE6B-related condition. Last evaluated: 2026-06-20. Review status: criteria provided, single submitter. Criteria: ACMG Guidelines, 2015. Collection method: clinical testing. Allele origin: germline.
Comment: The PDE6B c.170C>T variant is predicted to result in the amino acid substitution p.Thr57Met. To our knowledge, this variant has not been reported in the literature. This variant is reported in 0.011% of alleles in individuals of European (Non-Finnish) descent in gnomAD. At this time, the clinical significance of this variant is uncertain due to the absence of conclusive functional and genetic evidence.

Labcorp Genetics (formerly Invitae), Labcorp
Classification: Uncertain significance. Last evaluated: 2025-10-23. Review status: criteria provided, single submitter. Criteria: Invitae Variant Classification Sherloc (09022015). Collection method: clinical testing. Allele origin: germline.
Comment: This sequence change replaces threonine, which is neutral and polar, with methionine, which is neutral and non-polar, at codon 57 of the PDE6B protein (p.Thr57Met). This variant is present in population databases (rs149359860, gnomAD 0.01%). This variant has not been reported in the literature in individuals affected with PDE6B-related conditions. ClinVar contains an entry for this variant (Variation ID: 349289). Invitae Evidence Modeling of protein sequence and biophysical properties (such as structural, functional, and spatial information, amino acid conservation, physicochemical variation, residue mobility, and thermodynamic stability) indicates that this missense variant is not expected to disrupt PDE6B protein function with a negative predictive value of 95%. In summary, the available evidence is currently insufficient to determine the role of this variant in disease. Therefore, it has been classified as a Variant of Uncertain Significance.

Blueprint Genetics
Classification: Uncertain significance. Last evaluated: 2024-11-18. Review status: criteria provided, single submitter. Criteria: ACMG Guidelines, 2015. Collection method: clinical testing. Allele origin: germline.

Illumina Laboratory Services, Illumina
Classification: Likely benign for Congenital stationary night blindness autosomal dominant 2. Last evaluated: 2018-01-13. Review status: criteria provided, single submitter. Criteria: ICSL Variant Classification Criteria 13 December 2019. Collection method: clinical testing. Allele origin: germline.
Comment: This variant was observed in the ICSL laboratory as part of a predisposition screen in an ostensibly healthy population. It had not been previously curated by ICSL or reported in the Human Gene Mutation Database (HGMD: prior to June 1st, 2018), and was therefore a candidate for classification through an automated scoring system. Utilizing variant allele frequency, disease prevalence and penetrance estimates, and inheritance mode, an automated score was calculated to assess if this variant is too frequent to cause the disease. Based on the score and internal cut-off values, a variant classified as likely benign is not then subjected to further curation. The score for this variant resulted in a classification of likely benign for this disease.

Illumina Laboratory Services, Illumina
Classification: Uncertain significance for Retinitis pigmentosa. Last evaluated: 2018-01-13. Review status: criteria provided, single submitter. Criteria: ICSL Variant Classification Criteria 13 December 2019. Collection method: clinical testing. Allele origin: germline.